The following is an entry in ClinVar:

NM_006393.3(NEBL):c.277A>G (p.Ile93Val)

Gene: NEBL (nebulette; minus strand). Cytogenetic location: 10p12.31.
Variant type: single nucleotide variant.
Coding change: c.277A>G on transcript NM_006393.3 (MANE Select); coding-DNA position 277, A replaced by G.
Protein change: p.Ile93Val; replaces isoleucine 93 with valine.
Molecular consequence: missense variant. On other transcripts: intron variant (9).
Genome position (GRCh38, 1-based): chr10:20,888,189, T>C on the plus strand (A>G on the coding strand, the complement: NEBL is on the minus strand). VCF-style: chr10-20888189-T-C. GRCh37 (hg19) VCF-style: chr10-21177118-T-C.
Other names: c.249+73483A>G (NM_001377326.1, NM_001377327.1, NM_001377328.1); c.357+73483A>G (NM_213569.2, NM_001173484.2, NM_001377322.1); c.300+73483A>G (NM_001377324.1); c.291+73483A>G (NM_001377325.1); c.309+73483A>G (NM_001377323.1); short protein forms I93V.
Identifiers: ClinVar variation 378977 (VCV000378977.8), dbSNP rs762884881, ClinGen allele CA5433297.
Genomic context (GRCh38, chr10:20,888,189, plus strand): 5'-AAACACTGTCAATTGTGGCTGGCATCCGCTTATAAAGAGAATTAGAAAGGTCAGCTTTAA[T>C]GGTGCCTTTGTATTTTGCCTGGGGGAAAAAAAAACAGGAAAAAAATAAATAAATAAACTT-3'
Protein context (NP_006384.1, residues 83-103): FISEAKYKGT[Ile93Val]KADLSNSLYK

ClinVar aggregate classification (germline): Conflicting classifications of pathogenicity. Review status: criteria provided, conflicting classifications (1 of 4 stars). 3 submissions from 3 submitters: Uncertain significance (2); Likely benign (1). Last evaluated 2025-08-26.

Conditions:
Primary dilated cardiomyopathy (DCM). Also called: Dilated Cardiomyopathy. Identifiers: Orphanet 217604, MedGen C0007193, MeSH D002311, MONDO:0005021, HP:0001644. Inheritance: Various modes of inheritance.

Allele frequency attached by ClinVar (database versions not stated): ExAC 0.00001; gnomAD exomes 0.00002 and 0.00010; TOPMed 0.00033; gnomAD 0.00043 and 0.00044.
gnomAD v4.1: 90 of 1,610,922 alleles (0.0056%); highest among the groups gnomAD compares: Admixed American, 0.14%; no homozygotes.

Submissions (3):

Labcorp Genetics (formerly Invitae), Labcorp
Classification: Uncertain significance for Primary dilated cardiomyopathy. Last evaluated: 2025-08-26. Review status: criteria provided, single submitter. Criteria: Invitae Variant Classification Sherloc (09022015). Collection method: clinical testing. Allele origin: germline.
Comment: This sequence change replaces isoleucine, which is neutral and non-polar, with valine, which is neutral and non-polar, at codon 93 of the NEBL protein (p.Ile93Val). This variant is present in population databases (rs762884881, gnomAD 0.07%), and has an allele count higher than expected for a pathogenic variant. This variant has not been reported in the literature in individuals affected with NEBL-related conditions. ClinVar contains an entry for this variant (Variation ID: 378977). An algorithm developed to predict the effect of missense changes on protein structure and function outputs the following: PolyPhen-2: "Benign". The valine amino acid residue is found in multiple mammalian species, which suggests that this missense change does not adversely affect protein function. In summary, the available evidence is currently insufficient to determine the role of this variant in disease. Therefore, it has been classified as a Variant of Uncertain Significance.

Ambry Genetics
Classification: Uncertain significance. Last evaluated: 2025-04-20. Review status: criteria provided, single submitter. Criteria: Ambry Variant Classification Scheme 2023. Collection method: clinical testing. Allele origin: germline.

GeneDx
Classification: Likely benign. Last evaluated: 2018-10-23. Review status: criteria provided, single submitter. Criteria: GeneDx Variant Classification Process June 2021. Collection method: clinical testing. Allele origin: germline. Affected: yes.